The following is an entry in ClinVar:

ClinVar aggregate classification (germline): Uncertain significance. Review status: criteria provided, multiple submitters, no conflicts (2 of 4 stars). 2 submissions from 2 submitters: Uncertain significance (2). Last evaluated 2025-04-07.

Conditions:
Inborn genetic diseases. Identifiers: MedGen C0950123, MeSH D030342.
Fanconi anemia (FA). Also called: Fanconi's anemia. Identifiers: Orphanet 84, MedGen C0015625, MeSH D005199, MONDO:0019391.

Allele frequency attached by ClinVar (database versions not stated): gnomAD exomes below 0.00001; gnomAD 0.00001; TOPMed 0.00002.
gnomAD v4.1: 4 of 1,613,322 alleles (0.00025%); highest among the groups gnomAD compares: African/African-American, 0.004%; no homozygotes.

Submissions (2):

Ambry Genetics
Classification: Uncertain significance for Inborn genetic diseases. Last evaluated: 2025-04-07. Review status: criteria provided, single submitter. Criteria: Ambry Variant Classification Scheme 2023. Collection method: clinical testing. Allele origin: germline.
Comment: The p.D974E variant (also known as c.2922C>G), located in coding exon 14 of the FANCM gene, results from a C to G substitution at nucleotide position 2922. The aspartic acid at codon 974 is replaced by glutamic acid, an amino acid with highly similar properties. This amino acid position is conserved. In addition, this alteration is predicted to be tolerated by in silico analysis. Based on the available evidence, the clinical significance of this variant remains unclear.

Labcorp Genetics (formerly Invitae), Labcorp
Classification: Uncertain significance for Fanconi anemia. Last evaluated: 2022-10-24. Review status: criteria provided, single submitter. Criteria: Invitae Variant Classification Sherloc (09022015). Collection method: clinical testing. Allele origin: germline.
Comment: In summary, the available evidence is currently insufficient to determine the role of this variant in disease. Therefore, it has been classified as a Variant of Uncertain Significance. Algorithms developed to predict the effect of missense changes on protein structure and function output the following: SIFT: "Tolerated"; PolyPhen-2: "Benign"; Align-GVGD: "Class C0". The glutamic acid amino acid residue is found in multiple mammalian species, which suggests that this missense change does not adversely affect protein function. ClinVar contains an entry for this variant (Variation ID: 835134). This variant has not been reported in the literature in individuals affected with FANCM-related conditions. This variant is not present in population databases (gnomAD no frequency). This sequence change replaces aspartic acid, which is acidic and polar, with glutamic acid, which is acidic and polar, at codon 974 of the FANCM protein (p.Asp974Glu).

NM_020937.4(FANCM):c.2922C>G (p.Asp974Glu)

Gene: FANCM (FA complementation group M; plus strand). Cytogenetic location: 14q21.2.
Variant type: single nucleotide variant.
Coding change: c.2922C>G on transcript NM_020937.4 (MANE Select); coding-DNA position 2922, C replaced by G.
Protein change: p.Asp974Glu; replaces aspartic acid 974 with glutamic acid.
Molecular consequence: missense variant.
Genome position (GRCh38, 1-based): chr14:45,175,676, C>G. VCF-style: chr14-45175676-C-G. GRCh37 (hg19) VCF-style: chr14-45644879-C-G.
Other names: c.2844C>G, p.Asp948Glu (NM_001308133.2); short protein forms D948E, D974E.
Identifiers: ClinVar variation 835134 (VCV000835134.10), dbSNP rs1888633712, ClinGen allele CA389599474.